The following is an entry in ClinVar:

NM_002858.4(ABCD3):c.197G>C (p.Arg66Thr)

Gene: ABCD3 (ATP binding cassette subfamily D member 3; plus strand). Cytogenetic location: 1p21.3.
Variant type: single nucleotide variant.
Coding change: c.197G>C on transcript NM_002858.4 (MANE Select); coding-DNA position 197, G replaced by C.
Protein change: p.Arg66Thr; replaces arginine 66 with threonine.
Molecular consequence: missense variant.
Genome position (GRCh38, 1-based): chr1:94,464,824, G>C. VCF-style: chr1-94464824-G-C. GRCh37 (hg19) VCF-style: chr1-94930380-G-C.
Other names: c.197G>C, p.Arg66Thr (NM_001122674.2); short protein forms R66T.
Identifiers: ClinVar variation 2792189 (VCV002792189.3), dbSNP rs776145069, ClinGen allele CA341294405.

ClinVar aggregate classification (germline): Uncertain significance (1 of 4 stars; one submission).

Submission:

Labcorp Genetics (formerly Invitae), Labcorp
Classification: Uncertain significance. Last evaluated: 2024-10-16. Review status: criteria provided, single submitter. Criteria: Invitae Variant Classification Sherloc (09022015). Collection method: clinical testing. Allele origin: germline.
Comment: This sequence change replaces arginine, which is basic and polar, with threonine, which is neutral and polar, at codon 66 of the ABCD3 protein (p.Arg66Thr). This variant is not present in population databases (gnomAD no frequency). This variant has not been reported in the literature in individuals affected with ABCD3-related conditions. An algorithm developed to predict the effect of missense changes on protein structure and function (PolyPhen-2) suggests that this variant is likely to be disruptive. In summary, the available evidence is currently insufficient to determine the role of this variant in disease. Therefore, it has been classified as a Variant of Uncertain Significance.